The following is an entry in ClinVar:

NM_000186.4(CFH):c.2950T>C (p.Cys984Arg)

Gene: CFH (complement factor H; plus strand). Cytogenetic location: 1q31.3.
Variant type: single nucleotide variant.
Coding change: c.2950T>C on transcript NM_000186.4 (MANE Select); coding-DNA position 2950, T replaced by C.
Protein change: p.Cys984Arg; replaces cysteine 984 with arginine.
Molecular consequence: missense variant.
Genome position (GRCh38, 1-based): chr1:196,740,786, T>C. VCF-style: chr1-196740786-T-C. GRCh37 (hg19) VCF-style: chr1-196709916-T-C.
Other names: short protein forms C984R.
Identifiers: ClinVar variation 265982 (VCV000265982.5), dbSNP rs886039869, ClinGen allele CA10588915.

ClinVar aggregate classification (germline): Conflicting classifications of pathogenicity. Review status: criteria provided, conflicting classifications (1 of 4 stars). 3 submissions from 3 submitters: Likely pathogenic (1); Uncertain significance (1). 1 of the submissions does not count toward it. Last evaluated 2025-10-02.

Conditions:
Age related macular degeneration 4. Identifiers: MedGen C1853147, MONDO:0012540, OMIM 610698.
Atypical hemolytic-uremic syndrome. Identifiers: Orphanet 2134, MedGen C2931788, MONDO:0016244.
Factor H deficiency (CFHD). Also called: CFH DEFICIENCY; COMPLEMENT FACTOR H DEFICIENCY. Identifiers: Orphanet 200421, MedGen C0398777, MONDO:0012350, OMIM 609814.
Basal laminar drusen. Also called: DRUSEN OF BRUCH MEMBRANE; DRUSEN, CUTICULAR; DRUSEN, EARLY ADULT-ONSET, GROUPED. Identifiers: Orphanet 75376, MedGen C0730295, MONDO:0007472, OMIM 126700.
Hemolytic uremic syndrome, atypical, susceptibility to, 1. Also called: AHUS, SUSCEPTIBILITY TO, 1. Identifiers: Orphanet 2134, Orphanet 90038, MedGen C2749604, MONDO:0009335, OMIM 235400. Disease mechanism: Other.

Submissions (3):

Genomenon, Inc
Classification: Uncertain significance for Basal laminar drusen; Age related macular degeneration 4; Atypical hemolytic-uremic syndrome; Factor H deficiency. Last evaluated: 2025-10-02. Review status: criteria provided, single submitter. Criteria: Genomenon Sequence Variant Interpretation Standards - Updated. Collection method: curation. Allele origin: germline. Affected: no.
Comment: CFH p.Cys984Arg (c.2950T>C) is a missense variant that changes the amino acid at residue 984 from Cysteine to Arginine. This variant has been reported in the published literature (PMID:37367079). It is absent or not present at a significant frequency in gnomAD. In silico models agree that this variant is possibly or probably damaging. In conclusion, we classify CFH p.Cys984Arg (c.2950T>C) as a variant of uncertain significance.

Institute of Human Genetics, Cologne University
Classification: Likely pathogenic for Hemolytic uremic syndrome, atypical, susceptibility to, 1. Last evaluated: 2023-12-05. Review status: criteria provided, single submitter. Criteria: ACMG Guidelines, 2015. Collection method: clinical testing. Allele origin: germline. Affected: yes.

Bioscientia Institut fuer Medizinische Diagnostik GmbH, Sonic Healthcare
Classification: Pathogenic for Hemolytic uremic syndrome, atypical, susceptibility to, 1. Last evaluated: 2019-02-28. Review status: no assertion criteria provided. Collection method: clinical testing. Allele origin: germline. Affected: yes. Not counted in ClinVar's aggregate classification.

Literature cited by the submitters: PubMed 37367079 (cited by Genomenon, Inc).